The following is an entry in ClinVar:

ClinVar aggregate classification (germline): Pathogenic (1 of 4 stars; one submission).

Submission:

Centre of Medical Genetics, University Hospital Muenster
Classification: Pathogenic. Last evaluated: 2021-12-15. Review status: criteria provided, single submitter. Criteria: ACMG Guidelines, 2015. Collection method: clinical testing. Allele origin: unknown. Affected: yes. Observed: 1 variant allele, 1 heterozygote.
Comment: ACMG categories: PVS1,PM2,PP3

NM_033380.3(COL4A5):c.2102_2103insCTGG (p.Gly702fs)

Gene: COL4A5 (collagen type IV alpha 5 chain; plus strand). Cytogenetic location: Xq22.3.
Variant type: Insertion.
Coding change: c.2102_2103insCTGG on transcript NM_033380.3 (MANE Select); coding-DNA positions 2102 to 2103, CTGG inserted.
Protein change: p.Gly702fs; shifts the reading frame from glycine 702.
Molecular consequence: frameshift variant.
Genome position: GRCh38 VCF-style: chrX-108601945-C-CCTGG. GRCh37 (hg19) VCF-style: chrX-107845175-C-CCTGG.
Other names: c.2102_2103insCTGG, p.Gly702fs (NM_000495.5); short protein forms G702fs.
Identifiers: ClinVar variation 1708281 (VCV001708281.3), dbSNP rs2524328741, ClinGen allele CA2580100317.